The following is an entry in ClinVar:

ClinVar aggregate classification (germline): Uncertain significance. Review status: criteria provided, multiple submitters, no conflicts (2 of 4 stars). 2 submissions from 2 submitters: Uncertain significance (2). Last evaluated 2025-01-08.

Conditions:
Inborn genetic diseases. Identifiers: MedGen C0950123, MeSH D030342.

Allele frequency attached by ClinVar (database versions not stated): ExAC 0.00002; gnomAD exomes 0.00002 and 0.00003; gnomAD 0.00003; TOPMed 0.00003.
gnomAD v4.1: 32 of 1,613,910 alleles (0.002%); highest among the groups gnomAD compares: East Asian, 0.0089%; no homozygotes.

Submissions (2):

Ambry Genetics
Classification: Uncertain significance for Inborn genetic diseases. Last evaluated: 2025-01-08. Review status: criteria provided, single submitter. Criteria: Ambry Variant Classification Scheme 2023. Collection method: clinical testing. Allele origin: germline.

Labcorp Genetics (formerly Invitae), Labcorp
Classification: Uncertain significance. Last evaluated: 2022-04-28. Review status: criteria provided, single submitter. Criteria: Invitae Variant Classification Sherloc (09022015). Collection method: clinical testing. Allele origin: germline.
Comment: This sequence change replaces arginine, which is basic and polar, with cysteine, which is neutral and slightly polar, at codon 989 of the MYO5B protein (p.Arg989Cys). This variant is present in population databases (rs771049134, gnomAD 0.006%). This variant has not been reported in the literature in individuals affected with MYO5B-related conditions. Algorithms developed to predict the effect of missense changes on protein structure and function are either unavailable or do not agree on the potential impact of this missense change (SIFT: "Deleterious"; PolyPhen-2: "Possibly Damaging"; Align-GVGD: "Class C0"). In summary, the available evidence is currently insufficient to determine the role of this variant in disease. Therefore, it has been classified as a Variant of Uncertain Significance.

NM_001080467.3(MYO5B):c.2965C>T (p.Arg989Cys)

Gene: MYO5B (myosin VB; minus strand). Cytogenetic location: 18q21.1.
Variant type: single nucleotide variant.
Coding change: c.2965C>T on transcript NM_001080467.3 (MANE Select); coding-DNA position 2965, C replaced by T.
Protein change: p.Arg989Cys; replaces arginine 989 with cysteine.
Molecular consequence: missense variant.
Genome position (GRCh38, 1-based): chr18:49,895,021, G>A on the plus strand (C>T on the coding strand, the complement: MYO5B is on the minus strand). VCF-style: chr18-49895021-G-A. GRCh37 (hg19) VCF-style: chr18-47421391-G-A.
Other names: c.2965C>T (NM_001080467.2); short protein forms R989C.
Identifiers: ClinVar variation 1378339 (VCV001378339.6), dbSNP rs771049134, ClinGen allele CA8960887.